The following is an entry in ClinVar:

NM_000277.3(PAH):c.551del (p.Lys184fs)

Gene: PAH (phenylalanine hydroxylase; minus strand). Cytogenetic location: 12q23.2.
Variant type: Deletion.
Coding change: c.551del on transcript NM_000277.3 (MANE Select); coding-DNA position 551, one base deleted (A; older notation c.551delA).
Protein change: p.Lys184fs; shifts the reading frame from lysine 184.
Molecular consequence: frameshift variant.
Genome position (GRCh38, 1-based): chr12:102,855,291, T deleted on the plus strand (A on the coding strand, the reverse complement: PAH is on the minus strand); the first of 4 consecutive T bases (chr12:102,855,291-102,855,294); deleting any one gives the same sequence. VCF-style (leftmost placement, unchanged base first): chr12-102855290-CT-C. GRCh37 (hg19) VCF-style: chr12-103249068-CT-C.
Other names: c.551del, p.Lys184fs (NM_001354304.2); short protein forms K184fs.
Identifiers: ClinVar variation 987759 (VCV000987759.2), dbSNP rs1875371722, ClinGen allele CA16020815.

ClinVar aggregate classification (germline): Pathogenic (3 of 4 stars; one submission).

Conditions:
Phenylketonuria (PKU). Also called: OLIGOPHRENIA PHENYLPYRUVICA; Phenylketonuria (PKU); Phenylketonurias; FOLLING DISEASE. Identifiers: Orphanet 716, MedGen C0031485, MONDO:0009861, OMIM 261600. Disease mechanism: loss of function.

Submission:

ClinGen PAH Variant Curation Expert Panel
Classification: Pathogenic for Phenylketonuria. Last evaluated: 2020-10-30. Review status: reviewed by expert panel. Criteria: ClinGen PAH ACMG Specifications v1. Collection method: curation. Allele origin: germline. Inheritance: Autosomal recessive inheritance.
Comment: The frameshift variant c.551del generates a stop codon in exon 6 of 13 and is predicted to undergo NMD. The variant is absent from population databases, including gnomAD. It has been in at least one HPA patient (PMID: 21307867). In summary, this variant meets criteria to be classified as Pathogenic for PAH. PAH-specific ACMG/AMP criteria applied: PVS1, PM2, PP4_moderate.

Literature cited by the submitters: PubMed 21307867.